The following is an entry in ClinVar:

NM_000465.4(BARD1):c.336A>C (p.Arg112=)

Gene: BARD1 (BRCA1 associated RING domain 1; minus strand). Cytogenetic location: 2q35.
Variant type: single nucleotide variant.
Coding change: c.336A>C on transcript NM_000465.4 (MANE Select); coding-DNA position 336, A replaced by C.
Protein change: p.Arg112=; no amino-acid change (arginine 112 retained).
Molecular consequence: synonymous variant. On other transcripts: non-coding transcript variant (1), intron variant (2).
Genome position (GRCh38, 1-based): chr2:214,792,325, T>G on the plus strand (A>C on the coding strand, the complement: BARD1 is on the minus strand). VCF-style: chr2-214792325-T-G. GRCh37 (hg19) VCF-style: chr2-215657049-T-G.
Other names: c.279A>C, p.Arg93= (NM_001282543.2); c.336A>C, p.Arg112= (NM_001282549.2); c.158+17087A>C (NM_001282548.2); c.215+4736A>C (NM_001282545.2); c.336A>C (NM_000465.2).
Identifiers: ClinVar variation 1083583 (VCV001083583.14), dbSNP rs776586419, ClinGen allele CA2090453.

ClinVar aggregate classification (germline): Benign/Likely benign. Review status: criteria provided, multiple submitters, no conflicts (2 of 4 stars). 4 submissions from 4 submitters: Benign (1); Likely benign (3). Last evaluated 2025-12-29.

Conditions:
Hereditary cancer-predisposing syndrome. Also called: Hereditary Cancer Syndrome; Neoplastic Syndromes, Hereditary; Tumor predisposition; Hereditary neoplastic syndrome. Identifiers: Orphanet 140162, MedGen C0027672, MeSH D009386, MONDO:0015356.
Familial cancer of breast. Also called: hereditary breast carcinoma; BREAST CANCER, FAMILIAL; Hereditary breast cancer. Identifiers: Orphanet 227535, MedGen C0346153, MONDO:0016419, OMIM 114480. Disease mechanism: loss of function.

Allele frequency attached by ClinVar (database versions not stated): gnomAD exomes below 0.00001; ExAC 0.00001.
gnomAD v4.1: 5 of 1,613,436 alleles (0.00031%); highest among the groups gnomAD compares: South Asian, 0.0055%; no homozygotes.

Submissions (4):

Labcorp Genetics (formerly Invitae), Labcorp
Classification: Likely benign for Familial cancer of breast. Last evaluated: 2025-12-29. Review status: criteria provided, single submitter. Criteria: Invitae Variant Classification Sherloc (09022015). Collection method: clinical testing. Allele origin: germline.

Myriad Genetics, Inc.
Classification: Benign for Familial cancer of breast. Last evaluated: 2024-07-19. Review status: criteria provided, single submitter. Criteria: Myriad Autosomal Dominant, Autosomal Recessive and X-Linked Classification Criteria (2023). Collection method: clinical testing. Allele origin: unknown.
Comment: This variant is considered benign. This variant is a silent/synonymous amino acid change and it is not expected to impact splicing.

Ambry Genetics
Classification: Likely benign for Hereditary cancer-predisposing syndrome. Last evaluated: 2024-03-14. Review status: criteria provided, single submitter. Criteria: Ambry Variant Classification Scheme 2023. Collection method: clinical testing. Allele origin: germline.

Color Diagnostics, LLC DBA Color Health
Classification: Likely benign for Hereditary cancer-predisposing syndrome. Last evaluated: 2023-07-10. Review status: criteria provided, single submitter. Criteria: ACMG Guidelines, 2015. Collection method: clinical testing. Allele origin: germline.